The following is an entry in ClinVar:

ClinVar aggregate classification (germline): Uncertain significance (1 of 4 stars; one submission).

Allele frequency attached by ClinVar (database versions not stated): gnomAD exomes below 0.00001.
gnomAD v4.1: 1 of 1,611,826 alleles (0.000062%); highest among the groups gnomAD compares: Non-Finnish European, 0.000085%; no homozygotes.

Submission:

Labcorp Genetics (formerly Invitae), Labcorp
Classification: Uncertain significance. Last evaluated: 2023-10-30. Review status: criteria provided, single submitter. Criteria: Invitae Variant Classification Sherloc (09022015). Collection method: clinical testing. Allele origin: germline.
Comment: This sequence change replaces aspartic acid, which is acidic and polar, with tyrosine, which is neutral and polar, at codon 138 of the POLE protein (p.Asp138Tyr). This variant is not present in population databases (gnomAD no frequency). This variant has not been reported in the literature in individuals affected with POLE-related conditions. ClinVar contains an entry for this variant (Variation ID: 1483069). Advanced modeling of protein sequence and biophysical properties (such as structural, functional, and spatial information, amino acid conservation, physicochemical variation, residue mobility, and thermodynamic stability) performed at Invitae indicates that this missense variant is expected to disrupt POLE protein function with a positive predictive value of 80%. In summary, the available evidence is currently insufficient to determine the role of this variant in disease. Therefore, it has been classified as a Variant of Uncertain Significance.

NM_006231.4(POLE):c.412G>T (p.Asp138Tyr)

Gene: POLE (DNA polymerase epsilon, catalytic subunit; minus strand). Cytogenetic location: 12q24.33.
Variant type: single nucleotide variant.
Coding change: c.412G>T on transcript NM_006231.4 (MANE Select); coding-DNA position 412, G replaced by T.
Protein change: p.Asp138Tyr; replaces aspartic acid 138 with tyrosine.
Molecular consequence: missense variant.
Genome position (GRCh38, 1-based): chr12:132,679,965, C>A on the plus strand (G>T on the coding strand, the complement: POLE is on the minus strand). VCF-style: chr12-132679965-C-A. GRCh37 (hg19) VCF-style: chr12-133256551-C-A.
Other names: short protein forms D138Y.
Identifiers: ClinVar variation 1483069 (VCV001483069.6), dbSNP rs1593085858, ClinGen allele CA387368019.